The following is an entry in ClinVar:

ClinVar aggregate classification (germline): Conflicting classifications of pathogenicity. Review status: criteria provided, conflicting classifications (1 of 4 stars). 2 submissions from 2 submitters: Likely pathogenic (1); Uncertain significance (1). Last evaluated 2025-03-17.

Conditions:
CACNA2D4-related disorder. Also called: CACNA2D4-related condition.

Submissions (2):

Labcorp Genetics (formerly Invitae), Labcorp
Classification: Uncertain significance. Last evaluated: 2025-03-17. Review status: criteria provided, single submitter. Criteria: Invitae Variant Classification Sherloc (09022015). Collection method: clinical testing. Allele origin: germline.
Comment: This sequence change creates a premature translational stop signal (p.Cys718*) in the CACNA2D4 gene. It is expected to result in an absent or disrupted protein product. However, the current clinical and genetic evidence is not sufficient to establish whether loss-of-function variants in CACNA2D4 cause disease. This variant is present in population databases (rs769439847, gnomAD 0.0009%). This variant has not been reported in the literature in individuals affected with CACNA2D4-related conditions. ClinVar contains an entry for this variant (Variation ID: 1003595). In summary, the available evidence is currently insufficient to determine the role of this variant in disease. Therefore, it has been classified as a Variant of Uncertain Significance.

Blueprint Genetics
Classification: Likely pathogenic for CACNA2D4-related disorders. Last evaluated: 2022-01-29. Review status: criteria provided, single submitter. Criteria: ACMG Guidelines, 2015. Collection method: clinical testing. Allele origin: germline. Affected: yes. Observed: 1 variant allele.

NC_000012.12:g.1854039_1854046del

Gene: CACNA2D4 (calcium voltage-gated channel auxiliary subunit alpha2delta 4; minus strand). Cytogenetic location: 12p13.33.
Variant type: Deletion.
Genome position: GRCh38 VCF-style: chr12-1854035-TCCTCGTCA-T. GRCh37 (hg19) VCF-style: chr12-1963201-TCCTCGTCA-T.
Identifiers: ClinVar variation 1003595 (VCV001003595.8), dbSNP rs769439847, ClinGen allele CA6386815.